The following is an entry in ClinVar:

ClinVar aggregate classification (germline): Uncertain significance (1 of 4 stars; one submission).

gnomAD v4.1: 7 of 1,606,344 alleles (0.00044%); highest among the groups gnomAD compares: South Asian, 0.0078%; no homozygotes.

Submission:

GeneDx
Classification: Uncertain significance. Last evaluated: 2024-04-26. Review status: criteria provided, single submitter. Criteria: GeneDx Variant Classification Process June 2021. Collection method: clinical testing. Allele origin: germline. Affected: yes.
Comment: Not observed at significant frequency in large population cohorts (gnomAD); In silico analysis supports that this missense variant has a deleterious effect on protein structure/function; Has not been previously published as pathogenic or benign to our knowledge

NM_001378609.3(OTOGL):c.5072A>T (p.Asp1691Val)

Gene: OTOGL (otogelin like; plus strand). Cytogenetic location: 12q21.31.
Variant type: single nucleotide variant.
Coding change: c.5072A>T on transcript NM_001378609.3 (MANE Select); coding-DNA position 5072, A replaced by T.
Protein change: p.Asp1691Val; replaces aspartic acid 1691 with valine.
Molecular consequence: missense variant.
Genome position (GRCh38, 1-based): chr12:80,341,969, A>T. VCF-style: chr12-80341969-A-T. GRCh37 (hg19) VCF-style: chr12-80735749-A-T.
Other names: c.4937A>T, p.Asp1646Val (NM_001368062.3); c.5072A>T, p.Asp1691Val (NM_001378610.3, NM_173591.7); short protein forms D1646V, D1691V.
Identifiers: ClinVar variation 3373065 (VCV003373065.1).